The following is an entry in ClinVar:

NM_004183.4(BEST1):c.*45T>C

Gene: BEST1 (bestrophin 1; plus strand). Cytogenetic location: 11q12.3.
Variant type: single nucleotide variant.
Coding change: c.*45T>C on transcript NM_004183.4 (MANE Select); 45 bases downstream of the stop codon, T replaced by C.
Molecular consequence: 3 prime UTR variant. On other transcripts: non-coding transcript variant (1).
Genome position (GRCh38, 1-based): chr11:61,964,167, T>C. VCF-style: chr11-61964167-T-C. GRCh37 (hg19) VCF-style: chr11-61731639-T-C.
Other names: c.*1018T>C (NM_001139443.3, NM_001363591.3, NM_001363593.3); c.*45T>C (NM_001300786.2, NM_001300787.2); c.*1908T>C (NM_001363592.2).
Identifiers: ClinVar variation 878688 (VCV000878688.4), dbSNP rs201586629, ClinGen allele CA6041180.
Genomic context (GRCh38, chr11:61,964,167, plus strand): 5'-TGAAGCACATTCCTAACCTGCTTCCTAATGGGGATGCTTCGCCAGCCAGGTCCTCACCTG[T>C]GTGTACACCAGCAGGACACTGATCCAGTCACAGCCATACAGCTGTCCACACTGAAGAACA-3'

ClinVar aggregate classification (germline): Conflicting classifications of pathogenicity. Review status: criteria provided, conflicting classifications (1 of 4 stars). 3 submissions from 1 submitter: Uncertain significance (1); Benign (1); Likely benign (1). Last evaluated 2018-01-13.

Conditions:
Retinitis pigmentosa (RP). Identifiers: Orphanet 791, MedGen C0035334, MeSH D012174, MONDO:0019200, OMIM 268000. Inheritance: Autosomal dominant, autosomal recessive and X linked inheritance.
Autosomal dominant vitreoretinochoroidopathy. Also called: VITREORETINOCHOROIDOPATHY WITH MICROCORNEA, GLAUCOMA, AND CATARACT; VITREORETINOCHOROIDOPATHY, AUTOSOMAL DOMINANT, WITH NANOPHTHALMOS; Autosomal Dominant Vitreoretinochoroidopathy (ADVIRC). Identifiers: Orphanet 263347, Orphanet 3086, MedGen C3888099, MONDO:0008662, OMIM 193220.
Vitelliform macular dystrophy 2. Also called: VITELLIFORM MACULAR DYSTROPHY, EARLY-ONSET; VITELLIFORM MACULAR DYSTROPHY, JUVENILE-ONSET; Best vitelliform macular dystrophy, multifocal; Best Macular Dystrophy; MACULAR DEGENERATION, POLYMORPHIC VITELLINE; Best Vitelliform Macular Dystrophy (BVMD). Identifiers: Orphanet 1243, MedGen C2745945, MONDO:0007931, OMIM 153700.

Allele frequency attached by ClinVar (database versions not stated): gnomAD exomes 0.00014 and 0.00036; gnomAD 0.00015; TOPMed 0.00017; ExAC 0.00027; ESP Exome Variant Server 0.00031.
gnomAD v4.1: 235 of 1,613,234 alleles (0.015%); highest among the groups gnomAD compares: Non-Finnish European, 0.0025%; no homozygotes.

Submissions (3):

Illumina Laboratory Services, Illumina
Classification: Uncertain significance for Retinitis pigmentosa. Last evaluated: 2018-01-13. Review status: criteria provided, single submitter. Criteria: ICSL Variant Classification Criteria 13 December 2019. Collection method: clinical testing. Allele origin: germline.

Illumina Laboratory Services, Illumina
Classification: Likely benign for Vitelliform macular dystrophy 2. Last evaluated: 2018-01-13. Review status: criteria provided, single submitter. Criteria: ICSL Variant Classification Criteria 13 December 2019. Collection method: clinical testing. Allele origin: germline.
Comment: This variant was observed in the ICSL laboratory as part of a predisposition screen in an ostensibly healthy population. It had not been previously curated by ICSL or reported in the Human Gene Mutation Database (HGMD: prior to June 1st, 2018), and was therefore a candidate for classification through an automated scoring system. Utilizing variant allele frequency, disease prevalence and penetrance estimates, and inheritance mode, an automated score was calculated to assess if this variant is too frequent to cause the disease. Based on the score and internal cut-off values, a variant classified as likely benign is not then subjected to further curation. The score for this variant resulted in a classification of likely benign for this disease.

Illumina Laboratory Services, Illumina
Classification: Benign for Autosomal dominant vitreoretinochoroidopathy. Last evaluated: 2018-01-13. Review status: criteria provided, single submitter. Criteria: ICSL Variant Classification Criteria 13 December 2019. Collection method: clinical testing. Allele origin: germline.
Comment: This variant was observed in the ICSL laboratory as part of a predisposition screen in an ostensibly healthy population. It had not been previously curated by ICSL or reported in the Human Gene Mutation Database (HGMD: prior to June 1st, 2018), and was therefore a candidate for classification through an automated scoring system. Utilizing variant allele frequency, disease prevalence and penetrance estimates, and inheritance mode, an automated score was calculated to assess if this variant is too frequent to cause the disease. Based on the score and internal cut-off values, a variant classified as benign is not then subjected to further curation. The score for this variant resulted in a classification of benign for this disease.